The following is an entry in ClinVar:

NM_020365.5(EIF2B3):c.333C>T (p.Asp111=)

Gene: EIF2B3 (eukaryotic translation initiation factor 2B subunit gamma; minus strand). Cytogenetic location: 1p34.1.
Variant type: single nucleotide variant.
Coding change: c.333C>T on transcript NM_020365.5 (MANE Select); coding-DNA position 333, C replaced by T.
Protein change: p.Asp111=; no amino-acid change (aspartic acid 111 retained).
Molecular consequence: synonymous variant.
Genome position (GRCh38, 1-based): chr1:44,941,627, G>A on the plus strand (C>T on the coding strand, the complement: EIF2B3 is on the minus strand). VCF-style: chr1-44941627-G-A. GRCh37 (hg19) VCF-style: chr1-45407299-G-A.
Other names: c.333C>T, p.Asp111= (NM_001166588.3, NM_001261418.2).
Identifiers: ClinVar variation 3015309 (VCV003015309.10), dbSNP rs745499706, ClinGen allele CA824054.

ClinVar aggregate classification (germline): Likely benign. Review status: criteria provided, multiple submitters, no conflicts (2 of 4 stars). 2 submissions from 2 submitters: Likely benign (2). Last evaluated 2025-03-01.

Allele frequency attached by ClinVar (database versions not stated): ExAC 0.00001; TOPMed 0.00003; gnomAD 0.00004; gnomAD exomes 0.00005.
gnomAD v4.1: 83 of 1,613,936 alleles (0.0051%); highest among the groups gnomAD compares: Non-Finnish European, 0.0065%; no homozygotes.

Submissions (2):

CeGaT Center for Human Genetics Tuebingen
Classification: Likely benign. Last evaluated: 2025-03-01. Review status: criteria provided, single submitter. Criteria: CeGaT Center For Human Genetics Tuebingen Variant Classification Criteria Version 2. Collection method: clinical testing. Allele origin: germline. Affected: yes. Observed: 1 variant allele.
Comment: EIF2B3: BP4, BP7

Labcorp Genetics (formerly Invitae), Labcorp
Classification: Likely benign. Last evaluated: 2024-02-01. Review status: criteria provided, single submitter. Criteria: Invitae Variant Classification Sherloc (09022015). Collection method: clinical testing. Allele origin: germline.